The following is an entry in ClinVar:

NM_001353345.2(SETD1B):c.679C>T (p.Leu227Phe)

Gene: SETD1B (SET domain containing 1B, histone lysine methyltransferase; plus strand). Cytogenetic location: 12q24.31.
Variant type: single nucleotide variant.
Coding change: c.679C>T on transcript NM_001353345.2 (MANE Select); coding-DNA position 679, C replaced by T.
Protein change: p.Leu227Phe; replaces leucine 227 with phenylalanine.
Molecular consequence: missense variant.
Genome position (GRCh38, 1-based): chr12:121,809,624, C>T. VCF-style: chr12-121809624-C-T. GRCh37 (hg19) VCF-style: chr12-122247530-C-T.
Other names: short protein forms L227F.
Identifiers: ClinVar variation 3372511 (VCV003372511.1).

ClinVar aggregate classification (germline): Uncertain significance (1 of 4 stars; one submission).

Submission:

GeneDx
Classification: Uncertain significance. Last evaluated: 2024-04-17. Review status: criteria provided, single submitter. Criteria: GeneDx Variant Classification Process June 2021. Collection method: clinical testing. Allele origin: germline. Affected: yes.
Comment: Not observed at significant frequency in large population cohorts (gnomAD); In silico analysis supports that this missense variant has a deleterious effect on protein structure/function; Has not been previously published as pathogenic or benign to our knowledge